The following is an entry in ClinVar:

ClinVar aggregate classification (germline): Uncertain significance. Review status: criteria provided, single submitter (1 of 4 stars). 2 submissions from 2 submitters: Uncertain significance (1). 1 of the submissions does not count toward it. Last evaluated 2025-04-12.

Conditions:
NEK1-related disorder. Also called: NEK1-related condition.
Inborn genetic diseases. Identifiers: MedGen C0950123, MeSH D030342.

Submissions (2):

Ambry Genetics
Classification: Uncertain significance for Inborn genetic diseases. Last evaluated: 2025-04-12. Review status: criteria provided, single submitter. Criteria: Ambry Variant Classification Scheme 2023. Collection method: clinical testing. Allele origin: germline.

PreventionGenetics, part of Exact Sciences
Classification: Uncertain significance for NEK1-related condition. Last evaluated: 2024-06-26. Review status: no assertion criteria provided. Collection method: clinical testing. Allele origin: germline. Not counted in ClinVar's aggregate classification.
Comment: The NEK1 c.552T>G variant is predicted to result in the amino acid substitution p.Ser184Arg. To our knowledge, this variant has not been reported in the literature or in a large population database, indicating this variant is rare. At this time, the clinical significance of this variant is uncertain due to the absence of conclusive functional and genetic evidence.

NM_001199397.3(NEK1):c.552T>G (p.Ser184Arg)

Gene: NEK1 (NIMA related kinase 1; minus strand). Cytogenetic location: 4q33.
Variant type: single nucleotide variant.
Coding change: c.552T>G on transcript NM_001199397.3 (MANE Select); coding-DNA position 552, T replaced by G.
Protein change: p.Ser184Arg; replaces serine 184 with arginine.
Molecular consequence: missense variant. On other transcripts: non-coding transcript variant (1).
Genome position (GRCh38, 1-based): chr4:169,587,613, A>C on the plus strand (T>G on the coding strand, the complement: NEK1 is on the minus strand). VCF-style: chr4-169587613-A-C. GRCh37 (hg19) VCF-style: chr4-170508764-A-C.
Other names: c.552T>G, p.Ser184Arg (NM_001199398.3, NM_001199399.3, NM_001199400.3 and 7 more transcripts); short protein forms S184R.
Identifiers: ClinVar variation 3352403 (VCV003352403.2).
Genomic context (GRCh38, chr4:169,587,613, plus strand): 5'-ACTTACAGCATGTTTAAGTGTACACAGCTCATAAAGGACACACCCCAGAGCCCAAATGTC[A>C]CTGGAGAAGATAAAAATGAGAAATTTCCTCTAAGTATTTCAAATTTTTTCATTTAAAGGA-3'
Protein context (NP_001186326.1, residues 174-194): ICENKPYNNK[Ser184Arg]DIWALGCVLY